The following is an entry in ClinVar:

NM_020041.3(SLC2A9):c.769C>T (p.Arg257Cys)

Gene: SLC2A9 (solute carrier family 2 member 9; minus strand). Cytogenetic location: 4p16.1.
Variant type: single nucleotide variant.
Coding change: c.769C>T on transcript NM_020041.3 (MANE Select); coding-DNA position 769, C replaced by T.
Protein change: p.Arg257Cys; replaces arginine 257 with cysteine.
Molecular consequence: missense variant.
Genome position (GRCh38, 1-based): chr4:9,941,958, G>A on the plus strand (C>T on the coding strand, the complement: SLC2A9 is on the minus strand). VCF-style: chr4-9941958-G-A. GRCh37 (hg19) VCF-style: chr4-9943582-G-A.
Other names: c.682C>T, p.Arg228Cys (NM_001001290.2); short protein forms R257C, R228C.
Identifiers: ClinVar variation 1381478 (VCV001381478.5), dbSNP rs765521769, ClinGen allele CA2857102.

ClinVar aggregate classification (germline): Uncertain significance (1 of 4 stars; one submission).

Allele frequency attached by ClinVar (database versions not stated): ExAC 0.00001; gnomAD 0.00001; gnomAD exomes 0.00001 and 0.00002; TOPMed 0.00002.

Submission:

Labcorp Genetics (formerly Invitae), Labcorp
Classification: Uncertain significance. Last evaluated: 2022-03-31. Review status: criteria provided, single submitter. Criteria: Invitae Variant Classification Sherloc (09022015). Collection method: clinical testing. Allele origin: germline.
Comment: This sequence change replaces arginine, which is basic and polar, with cysteine, which is neutral and slightly polar, at codon 257 of the SLC2A9 protein (p.Arg257Cys). This variant is present in population databases (rs765521769, gnomAD 0.004%). This variant has not been reported in the literature in individuals affected with SLC2A9-related conditions. Algorithms developed to predict the effect of missense changes on protein structure and function output the following: SIFT: "Deleterious"; PolyPhen-2: "Benign"; Align-GVGD: "Class C0". The cysteine amino acid residue is found in multiple mammalian species, which suggests that this missense change does not adversely affect protein function. In summary, the available evidence is currently insufficient to determine the role of this variant in disease. Therefore, it has been classified as a Variant of Uncertain Significance.